The following is an entry in ClinVar:

ClinVar aggregate classification (germline): Likely benign (1 of 4 stars; one submission).

gnomAD v4.1: 8 of 1,209,680 alleles (0.00066%); highest among the groups gnomAD compares: Middle Eastern, 0.023%; no homozygotes.

Submission:

CeGaT Center for Human Genetics Tuebingen
Classification: Likely benign. Last evaluated: 2023-02-01. Review status: criteria provided, single submitter. Criteria: CeGaT Center For Human Genetics Tuebingen Variant Classification Criteria Version 2. Collection method: clinical testing. Allele origin: germline. Affected: yes. Observed: 1 variant allele.
Comment: PSMD10: BP4, BP7

NM_002814.4(PSMD10):c.9G>T (p.Gly3=)

Genes: ATG4A (autophagy related 4A cysteine peptidase; plus strand), PSMD10 (proteasome 26S subunit, non-ATPase 10; minus strand), LOC130068537 (ATAC-STARR-seq lymphoblastoid active region 29838; plus strand). Cytogenetic location: Xq22.3.
Variant type: single nucleotide variant.
Coding change: c.9G>T on transcript NM_002814.4 (MANE Select); coding-DNA position 9, G replaced by T.
Protein change: p.Gly3=; no amino-acid change (glycine 3 retained).
Molecular consequence: synonymous variant.
Genome position (GRCh38, 1-based): chrX:108,091,512, C>A on the plus strand (G>T on the coding strand, the complement: PSMD10 is on the minus strand). VCF-style: chrX-108091512-C-A. GRCh37 (hg19) VCF-style: chrX-107334742-C-A.
Other names: c.9G>T, p.Gly3= (NM_170750.3).
Identifiers: ClinVar variation 2661160 (VCV002661160.24), dbSNP rs749763253, ClinGen allele CA517921638.